The following is an entry in ClinVar:

ClinVar aggregate classification (germline): Uncertain significance (1 of 4 stars; one submission).

Conditions:
Inborn genetic diseases. Identifiers: MedGen C0950123, MeSH D030342.

Allele frequency attached by ClinVar (database versions not stated): gnomAD exomes below 0.00001.
gnomAD v4.1: 2 of 1,614,118 alleles (0.00012%); highest among the groups gnomAD compares: Non-Finnish European, 0.00017%; no homozygotes.

Submission:

Ambry Genetics
Classification: Uncertain significance for Inborn genetic diseases. Last evaluated: 2023-04-07. Review status: criteria provided, single submitter. Criteria: Ambry Variant Classification Scheme 2023. Collection method: clinical testing. Allele origin: germline.
Comment: The p.E665G variant (also known as c.1994A>G), located in coding exon 9 of the ATR gene, results from an A to G substitution at nucleotide position 1994. The glutamic acid at codon 665 is replaced by glycine, an amino acid with similar properties. This amino acid position is conserved. In addition, this alteration is predicted to be deleterious by in silico analysis. Since supporting evidence is limited at this time, the clinical significance of this alteration remains unclear.

NM_001184.4(ATR):c.1994A>G (p.Glu665Gly)

Gene: ATR (ATR checkpoint kinase; minus strand). Cytogenetic location: 3q23.
Variant type: single nucleotide variant.
Coding change: c.1994A>G on transcript NM_001184.4 (MANE Select); coding-DNA position 1994, A replaced by G.
Protein change: p.Glu665Gly; replaces glutamic acid 665 with glycine.
Molecular consequence: missense variant.
Genome position (GRCh38, 1-based): chr3:142,556,467, T>C on the plus strand (A>G on the coding strand, the complement: ATR is on the minus strand). VCF-style: chr3-142556467-T-C. GRCh37 (hg19) VCF-style: chr3-142275309-T-C.
Other names: c.1802A>G, p.Glu601Gly (NM_001354579.2); short protein forms E601G, E665G.
Identifiers: ClinVar variation 2567803 (VCV002567803.2), dbSNP rs1559992171, ClinGen allele CA354819266.
Genomic context (GRCh38, chr3:142,556,467, plus strand): 5'-CAAGAATTCTGCTGCTGCAATAAGATAAAAAATCCACTAACACAACTAGCCCGGATTACT[T>C]CATGGGAGCTCTGCAGGGCCCAGTTGTAAACTGCTGTTCTCCACTCAAGGAATATTCTTC-3'
Protein context (NP_001175.2, residues 655-675): VYNWALQSSH[Glu665Gly]VIRASCVSGF